The following is an entry in ClinVar:

ClinVar aggregate classification (germline): Likely benign. Review status: criteria provided, multiple submitters, no conflicts (2 of 4 stars). 2 submissions from 2 submitters: Likely benign (2). Last evaluated 2025-11-06.

Conditions:
TRPM1-related disorder. Also called: TRPM1-related condition.

Submissions (2):

PreventionGenetics, part of Exact Sciences
Classification: Likely benign for TRPM1-related condition. Last evaluated: 2025-11-06. Review status: criteria provided, single submitter. Criteria: ACMG Guidelines, 2015. Collection method: clinical testing. Allele origin: germline.
Comment: This variant is classified as likely benign based on ACMG/AMP sequence variant interpretation guidelines (Richards et al. 2015 PMID: 25741868, with internal and published modifications).

Labcorp Genetics (formerly Invitae), Labcorp
Classification: Likely benign. Last evaluated: 2025-06-27. Review status: criteria provided, single submitter. Criteria: Invitae Variant Classification Sherloc (09022015). Collection method: clinical testing. Allele origin: germline.

NM_001252024.2(TRPM1):c.619-9C>A

Gene: TRPM1 (transient receptor potential cation channel subfamily M member 1; minus strand). Cytogenetic location: 15q13.3.
Variant type: single nucleotide variant.
Coding change: c.619-9C>A on transcript NM_001252024.2 (MANE Select); 9 bases into the intron before coding-DNA position 619, C replaced by A.
Molecular consequence: intron variant.
Genome position (GRCh38, 1-based): chr15:31,066,256, G>T on the plus strand (C>A on the coding strand, the complement: TRPM1 is on the minus strand). VCF-style: chr15-31066256-G-T. GRCh37 (hg19) VCF-style: chr15-31358459-G-T.
Other names: c.670-9C>A (NM_001252020.1, NM_001252020.2); c.553-9C>A (NM_002420.6).
Identifiers: ClinVar variation 4778997 (VCV004778997.2).